The following is an entry in ClinVar:

ClinVar aggregate classification (germline): Uncertain significance (1 of 4 stars; one submission).

Conditions:
EP300-related disorder. Also called: EP300-related condition; EP300-related disorders.

gnomAD v4.1: 1 of 1,613,454 alleles (0.000062%); highest among the groups gnomAD compares: Non-Finnish European, 0.000085%; no homozygotes.

Submission:

PreventionGenetics, part of Exact Sciences
Classification: Uncertain significance for EP300-related condition. Last evaluated: 2025-06-13. Review status: criteria provided, single submitter. Criteria: ACMG Guidelines, 2015. Collection method: clinical testing. Allele origin: germline.
Comment: The EP300 c.2636A>T variant is predicted to result in the amino acid substitution p.His879Leu. To our knowledge, this variant has not been reported in the literature or in a large population database (gnomAD), indicating this variant is rare. At this time, the clinical significance of this variant is uncertain due to the absence of conclusive functional and genetic evidence.

NM_001429.4(EP300):c.2636A>T (p.His879Leu)

Gene: EP300 (EP300 lysine acetyltransferase; plus strand). Cytogenetic location: 22q13.2.
Variant type: single nucleotide variant.
Coding change: c.2636A>T on transcript NM_001429.4 (MANE Select); coding-DNA position 2636, A replaced by T.
Protein change: p.His879Leu; replaces histidine 879 with leucine.
Molecular consequence: missense variant.
Genome position (GRCh38, 1-based): chr22:41,150,017, A>T. VCF-style: chr22-41150017-A-T. GRCh37 (hg19) VCF-style: chr22-41546021-A-T.
Other names: c.2558A>T, p.His853Leu (NM_001362843.2); short protein forms H879L, H853L.
Identifiers: ClinVar variation 4988046 (VCV004988046.1).